The following is an entry in ClinVar:

NM_000789.4(ACE):c.44CGCTGC[3] (p.15PL[3])

Gene: ACE (angiotensin I converting enzyme; plus strand). Cytogenetic location: 17q23.3.
Variant type: Microsatellite.
Coding change: c.44CGCTGC[3] on transcript NM_000789.4 (MANE Select); three copies in a row of the 6-base unit CGCTGC starting at c.44; the reference has two copies in a row; one copy, 6 bases duplicated; also written c.50_55dup.
Protein change: p.15PL[3].
Molecular consequence: inframe insertion. On other transcripts: 5 prime UTR variant (2).
Genome position (GRCh38, 1-based): chr17:63,477,144-63,477,149, CGCTGC duplicated; duplicating any 6 consecutive bases within chr17:63,477,133-63,477,149 gives the same sequence; the position shown is the placement nearest the transcript's 3' end. VCF-style (leftmost placement, unchanged base first): chr17-63477132-T-TGCTGCC. GRCh37 (hg19) VCF-style: chr17-61554493-T-TGCTGCC.
Other names: p.Pro17_Leu18dup; c.-192CGCTGC[3] (NM_001382700.1); c.-571CGCTGC[3] (NM_001382701.1); c.50_55dup (NM_000789.4).
Identifiers: ClinVar variation 324358 (VCV000324358.14), dbSNP rs532691783, ClinGen allele CA8698934.

ClinVar aggregate classification (germline): Benign. Review status: criteria provided, multiple submitters, no conflicts (2 of 4 stars). 2 submissions from 2 submitters: Benign (2). Last evaluated 2026-01-12.

Submissions (2):

Labcorp Genetics (formerly Invitae), Labcorp
Classification: Benign. Last evaluated: 2026-01-12. Review status: criteria provided, single submitter. Criteria: Invitae Variant Classification Sherloc (09022015). Collection method: clinical testing. Allele origin: germline.

Mayo Clinic Laboratories, Mayo Clinic
Classification: Benign. Last evaluated: 2025-02-24. Review status: criteria provided, single submitter. Criteria: ACMG Guidelines, 2015. Collection method: clinical testing. Allele origin: germline. Observed: 1 variant allele.
Comment: BS1, BS2